The following is an entry in ClinVar:

ClinVar aggregate classification (germline): Uncertain significance (1 of 4 stars; one submission).

gnomAD v4.1: 1 of 1,613,696 alleles (0.000062%); highest among the groups gnomAD compares: Non-Finnish European, 0.000085%; no homozygotes.

Submission:

GeneDx
Classification: Uncertain significance. Last evaluated: 2024-11-22. Review status: criteria provided, single submitter. Criteria: GeneDx Variant Classification Process June 2021. Collection method: clinical testing. Allele origin: germline. Affected: yes.
Comment: Has not been previously published as pathogenic or benign to our knowledge; Not observed at significant frequency in large population cohorts (gnomAD); In silico analysis indicates that this missense variant does not alter protein structure/function

NM_031263.4(HNRNPK):c.1309A>G (p.Ile437Val)

Gene: HNRNPK (heterogeneous nuclear ribonucleoprotein K; minus strand). Cytogenetic location: 9q21.32.
Variant type: single nucleotide variant.
Coding change: c.1309A>G on transcript NM_031263.4 (MANE Select); coding-DNA position 1309, A replaced by G.
Protein change: p.Ile437Val; replaces isoleucine 437 with valine.
Molecular consequence: missense variant.
Genome position (GRCh38, 1-based): chr9:83,970,214, T>C on the plus strand (A>G on the coding strand, the complement: HNRNPK is on the minus strand). VCF-style: chr9-83970214-T-C. GRCh37 (hg19) VCF-style: chr9-86585129-T-C.
Other names: c.1237A>G, p.Ile413Val (NM_001318186.2, NM_001318187.2); c.1309A>G, p.Ile437Val (NM_001318188.2, NM_002140.5, NM_031262.4); short protein forms I413V, I437V.
Identifiers: ClinVar variation 3900139 (VCV003900139.1).